The following is an entry in ClinVar:

NM_001374353.1(GLI2):c.281_282delinsAT (p.Val94Asp)

Gene: GLI2 (GLI family zinc finger 2; plus strand). Cytogenetic location: 2q14.2.
Variant type: Indel.
Coding change: c.281_282delinsAT on transcript NM_001374353.1 (MANE Select); coding-DNA positions 281 to 282, TC replaced by AT.
Protein change: p.Val94Asp; replaces valine 94 with aspartic acid.
Molecular consequence: missense variant. On other transcripts: 5 prime UTR variant (1).
Genome position (GRCh38, 1-based): chr2:120,951,269-120,951,270, TC replaced by AT. VCF-style: chr2-120951269-TC-AT. GRCh37 (hg19) VCF-style: chr2-121708845-TC-AT.
Other names: c.281_282delinsAT, p.Val94Asp (NM_001371271.1, NM_005270.5); c.-95_-94delinsAT (NM_001374354.1); short protein forms V94D.
Identifiers: ClinVar variation 3371803 (VCV003371803.1).

ClinVar aggregate classification (germline): Uncertain significance (1 of 4 stars; one submission).

Submission:

GeneDx
Classification: Uncertain significance. Last evaluated: 2024-03-28. Review status: criteria provided, single submitter. Criteria: GeneDx Variant Classification Process June 2021. Collection method: clinical testing. Allele origin: germline. Affected: yes.
Comment: Not observed at significant frequency in large population cohorts (gnomAD); In silico analysis supports a deleterious effect on protein structure/function; Has not been previously published as pathogenic or benign to our knowledge